The following is an entry in ClinVar:

NM_014946.4(SPAST):c.1512A>G (p.Val504=)

Gene: SPAST (spastin; plus strand). Cytogenetic location: 2p22.3.
Variant type: single nucleotide variant.
Coding change: c.1512A>G on transcript NM_014946.4 (MANE Select); coding-DNA position 1512, A replaced by G.
Protein change: p.Val504=; no amino-acid change (valine 504 retained).
Molecular consequence: synonymous variant.
Genome position (GRCh38, 1-based): chr2:32,141,922, A>G. VCF-style: chr2-32141922-A-G. GRCh37 (hg19) VCF-style: chr2-32366991-A-G.
Other names: c.1509A>G, p.Val503= (NM_001363823.2); c.1413A>G, p.Val471= (NM_001363875.2); c.1416A>G, p.Val472= (NM_001377959.1, NM_199436.2).
Identifiers: ClinVar variation 2195286 (VCV002195286.5), dbSNP rs754532347, ClinGen allele CA1600925.
Genomic context (GRCh38, chr2:32,141,922, plus strand): 5'-TTCAAAATTATATTTCTAAAAGTGCTGGATTTTTTTTTTTAGGCGTTTCATCAAACGGGT[A>G]TATGTGTCTTTACCAAATGAGGAGGTATGTATCTGTGTTTGAATTTTTTTTGTTTTAGAG-3'
Protein context (NP_055761.2, residues 494-514): EAVLRRFIKR[Val504=]YVSLPNEETR

ClinVar aggregate classification (germline): Likely benign. Review status: criteria provided, multiple submitters, no conflicts (2 of 4 stars). 2 submissions from 2 submitters: Likely benign (2). Last evaluated 2025-10-28.

Conditions:
SPAST-related disorder. Also called: SPAST-related condition.
Hereditary spastic paraplegia 4. Also called: Spastic paraplegia 4, autosomal dominant; Familial spastic paraplegia autosomal dominant 2; Spastic Paraplegia 4. Identifiers: Orphanet 100985, MedGen C1866855, MONDO:0008438, OMIM 182601.

Allele frequency attached by ClinVar (database versions not stated): TOPMed below 0.00001; ExAC 0.00001; gnomAD 0.00001; gnomAD exomes 0.00001.
gnomAD v4.1: 22 of 1,612,764 alleles (0.0014%); highest among the groups gnomAD compares: Non-Finnish European, 0.0018%; no homozygotes.

Submissions (2):

Labcorp Genetics (formerly Invitae), Labcorp
Classification: Likely benign for Hereditary spastic paraplegia 4. Last evaluated: 2025-10-28. Review status: criteria provided, single submitter. Criteria: Invitae Variant Classification Sherloc (09022015). Collection method: clinical testing. Allele origin: germline.

PreventionGenetics, part of Exact Sciences
Classification: Likely benign for SPAST-related condition. Last evaluated: 2025-04-30. Review status: criteria provided, single submitter. Criteria: ACMG Guidelines, 2015. Collection method: clinical testing. Allele origin: germline.
Comment: This variant is classified as likely benign based on ACMG/AMP sequence variant interpretation guidelines (Richards et al. 2015 PMID: 25741868, with internal and published modifications).